The following is an entry in ClinVar:

NM_007055.4(POLR3A):c.*1782G>A

Gene: POLR3A (RNA polymerase III subunit A; minus strand). Cytogenetic location: 10q22.3.
Variant type: single nucleotide variant.
Coding change: c.*1782G>A on transcript NM_007055.4 (MANE Select); 1782 bases downstream of the stop codon, G replaced by A.
Molecular consequence: 3 prime UTR variant.
Genome position (GRCh38, 1-based): chr10:77,975,696, C>T on the plus strand (G>A on the coding strand, the complement: POLR3A is on the minus strand). VCF-style: chr10-77975696-C-T. GRCh37 (hg19) VCF-style: chr10-79735454-C-T.
Identifiers: ClinVar variation 300997 (VCV000300997.5), dbSNP rs11817392, ClinGen allele CA10629136.
Genomic context (GRCh38, chr10:77,975,696, plus strand): 5'-TATTATTCCCAGCCACAAGTTATAGCCACAACCTCTCTTCCATTTAAAGTGTGCGTCACC[C>T]GCAGAAGACAACAGGTGCCGGAGTTCACTCCTATGATTCAATTCTACCCTCCCCTGGCCT-3'

ClinVar aggregate classification (germline): Benign (1 of 4 stars; one submission).

Conditions:
Leukodystrophy, hypomyelinating, 7, with or without oligodontia and/or hypogonadotropic hypogonadism (HLD7). Also called: LEUKOENCEPHALOPATHY, HYPOMYELINATING, WITH ATAXIA AND DELAYED DENTITION; ATAXIA, DELAYED DENTITION, AND HYPOMYELINATION; LEUKODYSTROPHY, HYPOMYELINATING, 7, WITH OLIGODONTIA; LEUKODYSTROPHY, HYPOMYELINATING, 7, WITH OLIGODONTIA AND HYPOGONADOTROPIC HYPOGONADISM; LEUKODYSTROPHY, HYPOMYELINATING, 7, WITHOUT OLIGODONTIA OR HYPOGONADOTROPIC HYPOGONADISM; Ataxia, Delayed Dentition and Hypomyelination (ADDH). Identifiers: Orphanet 137639, Orphanet 447893, Orphanet 447896, Orphanet 77295, Orphanet 88637, MedGen CN034185, MONDO:0011897, OMIM 607694.

Allele frequency attached by ClinVar (database versions not stated): gnomAD 0.02478 and 0.02657; 1000 Genomes Project 0.02636; TOPMed 0.02852; 1000 Genomes Project 30x 0.02920.

Submission:

Illumina Laboratory Services, Illumina
Classification: Benign for Leukodystrophy, hypomyelinating, 7, with or without oligodontia and/or hypogonadotropic hypogonadism. Last evaluated: 2018-01-12. Review status: criteria provided, single submitter. Criteria: ICSL Variant Classification Criteria 13 December 2019. Collection method: clinical testing. Allele origin: germline.
Comment: This variant was observed in the ICSL laboratory as part of a predisposition screen in an ostensibly healthy population. It had not been previously curated by ICSL or reported in the Human Gene Mutation Database (HGMD: prior to June 1st, 2018), and was therefore a candidate for classification through an automated scoring system. Utilizing variant allele frequency, disease prevalence and penetrance estimates, and inheritance mode, an automated score was calculated to assess if this variant is too frequent to cause the disease. Based on the score and internal cut-off values, a variant classified as benign is not then subjected to further curation. The score for this variant resulted in a classification of benign for this disease.